The following is an entry in ClinVar:

NM_014225.6(PPP2R1A):c.595G>A (p.Asp199Asn)

Gene: PPP2R1A (protein phosphatase 2 scaffold subunit Aalpha; plus strand). Cytogenetic location: 19q13.41.
Variant type: single nucleotide variant.
Coding change: c.595G>A on transcript NM_014225.6 (MANE Select); coding-DNA position 595, G replaced by A.
Protein change: p.Asp199Asn; replaces aspartic acid 199 with asparagine.
Molecular consequence: missense variant. On other transcripts: non-coding transcript variant (1).
Genome position (GRCh38, 1-based): chr19:52,212,777, G>A. VCF-style: chr19-52212777-G-A. GRCh37 (hg19) VCF-style: chr19-52716030-G-A.
Other names: c.58G>A, p.Asp20Asn (NM_001363656.2); short protein forms D20N, D199N.
Identifiers: ClinVar variation 1956144 (VCV001956144.5), dbSNP rs2089683184, ClinGen allele CA407183839.
Genomic context (GRCh38, chr19:52,212,777, plus strand): 5'-CCCATGGTGCGGCGGGCCGCAGCCTCCAAGCTGGGGGAGTTTGCCAAGGTGCTGGAGCTG[G>A]ACAACGTCAAGAGTGAGATCATCCCCATGTTCTCCAACCTGGCCTCTGACGAGCAGGTGA-3'
Protein context (NP_055040.2, residues 189-209): LGEFAKVLEL[Asp199Asn]NVKSEIIPMF

ClinVar aggregate classification (germline): Uncertain significance (1 of 4 stars; one submission).

Allele frequency attached by ClinVar (database versions not stated): gnomAD exomes below 0.00001; TOPMed below 0.00001.
gnomAD v4.1: 1 of 1,613,686 alleles (0.000062%); highest among the groups gnomAD compares: African/African-American, 0.0013%; no homozygotes.

Submission:

Labcorp Genetics (formerly Invitae), Labcorp
Classification: Uncertain significance. Last evaluated: 2022-10-14. Review status: criteria provided, single submitter. Criteria: Invitae Variant Classification Sherloc (09022015). Collection method: clinical testing. Allele origin: germline.
Comment: In summary, the available evidence is currently insufficient to determine the role of this variant in disease. Therefore, it has been classified as a Variant of Uncertain Significance. Advanced modeling of protein sequence and biophysical properties (such as structural, functional, and spatial information, amino acid conservation, physicochemical variation, residue mobility, and thermodynamic stability) performed at Invitae indicates that this missense variant is not expected to disrupt PPP2R1A protein function. This variant has not been reported in the literature in individuals affected with PPP2R1A-related conditions. This variant is not present in population databases (gnomAD no frequency). This sequence change replaces aspartic acid, which is acidic and polar, with asparagine, which is neutral and polar, at codon 199 of the PPP2R1A protein (p.Asp199Asn).